The following is an entry in ClinVar:

ClinVar aggregate classification (germline): Uncertain significance (1 of 4 stars; one submission).

gnomAD v4.1: 1 of 1,602,348 alleles (0.000062%); highest among the groups gnomAD compares: Non-Finnish European, 0.000085%; no homozygotes.

Submission:

Labcorp Genetics (formerly Invitae), Labcorp
Classification: Uncertain significance. Last evaluated: 2026-01-19. Review status: criteria provided, single submitter. Criteria: Invitae Variant Classification Sherloc (09022015). Collection method: clinical testing. Allele origin: germline.
Comment: This sequence change replaces histidine, which is basic and polar, with tyrosine, which is neutral and polar, at codon 8 of the ASRGL1 protein (p.His8Tyr). This variant is not present in population databases (gnomAD no frequency). This variant has not been reported in the literature in individuals affected with ASRGL1-related conditions. An algorithm developed to predict the effect of missense changes on protein structure and function (PolyPhen-2) suggests that this variant is likely to be disruptive. In summary, the available evidence is currently insufficient to determine the role of this variant in disease. Therefore, it has been classified as a Variant of Uncertain Significance.

NM_001083926.2(ASRGL1):c.22C>T (p.His8Tyr)

Gene: ASRGL1 (asparaginase and isoaspartyl peptidase 1; plus strand). Cytogenetic location: 11q12.3.
Variant type: single nucleotide variant.
Coding change: c.22C>T on transcript NM_001083926.2 (MANE Select); coding-DNA position 22, C replaced by T.
Protein change: p.His8Tyr; replaces histidine 8 with tyrosine.
Molecular consequence: missense variant.
Genome position (GRCh38, 1-based): chr11:62,337,999, C>T. VCF-style: chr11-62337999-C-T. GRCh37 (hg19) VCF-style: chr11-62105471-C-T.
Other names: c.22C>T, p.His8Tyr (NM_001441216.1, NM_001441217.1, NM_025080.4); short protein forms H8Y.
Identifiers: ClinVar variation 4717901 (VCV004717901.1).